The following is an entry in ClinVar:

ClinVar aggregate classification (germline): Uncertain significance (1 of 4 stars; one submission).

Conditions:
Hereditary cancer-predisposing syndrome. Also called: Hereditary Cancer Syndrome; Hereditary neoplastic syndrome; Neoplastic Syndromes, Hereditary; Tumor predisposition. Identifiers: Orphanet 140162, MedGen C0027672, MeSH D009386, MONDO:0015356.

Allele frequency attached by ClinVar (database versions not stated): gnomAD exomes below 0.00001.
gnomAD v4.1: 1 of 1,613,084 alleles (0.000062%); highest among the groups gnomAD compares: South Asian, 0.0011%; no homozygotes.

Submission:

Ambry Genetics
Classification: Uncertain significance for Hereditary cancer-predisposing syndrome. Last evaluated: 2024-07-29. Review status: criteria provided, single submitter. Criteria: Ambry Variant Classification Scheme 2023. Collection method: clinical testing. Allele origin: germline.
Comment: The p.G45R variant (also known as c.133G>A), located in coding exon 2 of the SDHD gene, results from a G to A substitution at nucleotide position 133. The glycine at codon 45 is replaced by arginine, an amino acid with dissimilar properties. This amino acid position is well conserved in available vertebrate species. In addition, the in silico prediction for this alteration is inconclusive. Based on the available evidence, the clinical significance of this variant remains unclear.

NM_003002.4(SDHD):c.133G>A (p.Gly45Arg)

Gene: SDHD (succinate dehydrogenase complex subunit D; plus strand). Cytogenetic location: 11q23.1.
Variant type: single nucleotide variant.
Coding change: c.133G>A on transcript NM_003002.4 (MANE Select); coding-DNA position 133, G replaced by A.
Protein change: p.Gly45Arg; replaces glycine 45 with arginine.
Molecular consequence: missense variant. On other transcripts: non-coding transcript variant (1), intron variant (1).
Genome position (GRCh38, 1-based): chr11:112,087,937, G>A. VCF-style: chr11-112087937-G-A. GRCh37 (hg19) VCF-style: chr11-111958661-G-A.
Other names: c.133G>A, p.Gly45Arg (NM_001276503.2, NM_001276506.2); c.53-930G>A (NM_001276504.2); short protein forms G45R.
Identifiers: ClinVar variation 1770333 (VCV001770333.3), dbSNP rs2135267356, ClinGen allele CA382617056.